The following is an entry in ClinVar:

ClinVar aggregate classification (germline): Uncertain significance. Review status: criteria provided, multiple submitters, no conflicts (2 of 4 stars). 3 submissions from 3 submitters: Uncertain significance (3). Last evaluated 2025-09-25.

Conditions:
Inborn genetic diseases. Identifiers: MedGen C0950123, MeSH D030342.

Allele frequency attached by ClinVar (database versions not stated): TOPMed 0.00002; gnomAD 0.00004.
gnomAD v4.1: 18 of 1,612,760 alleles (0.0011%); highest among the groups gnomAD compares: Admixed American, 0.0033%; no homozygotes.

Submissions (3):

GeneDx
Classification: Uncertain significance. Last evaluated: 2025-09-25. Review status: criteria provided, single submitter. Criteria: GeneDx Variant Classification Process June 2021. Collection method: clinical testing. Allele origin: germline. Affected: yes.
Comment: Not observed at significant frequency in large population cohorts (gnomAD); In silico analysis supports that this missense variant has a deleterious effect on protein structure/function; Has not been previously published as pathogenic or benign to our knowledge

Ambry Genetics
Classification: Uncertain significance for Inborn genetic diseases. Last evaluated: 2024-07-02. Review status: criteria provided, single submitter. Criteria: Ambry Variant Classification Scheme 2023. Collection method: clinical testing. Allele origin: germline.

Labcorp Genetics (formerly Invitae), Labcorp
Classification: Uncertain significance. Last evaluated: 2024-02-23. Review status: criteria provided, single submitter. Criteria: Invitae Variant Classification Sherloc (09022015). Collection method: clinical testing. Allele origin: germline.
Comment: This sequence change replaces arginine, which is basic and polar, with tryptophan, which is neutral and slightly polar, at codon 1106 of the MYO15A protein (p.Arg1106Trp). This variant is present in population databases (rs754781505, gnomAD 0.002%). This variant has not been reported in the literature in individuals affected with MYO15A-related conditions. ClinVar contains an entry for this variant (Variation ID: 1309929). Advanced modeling of protein sequence and biophysical properties (such as structural, functional, and spatial information, amino acid conservation, physicochemical variation, residue mobility, and thermodynamic stability) performed at Invitae indicates that this missense variant is not expected to disrupt MYO15A protein function with a negative predictive value of 95%. In summary, the available evidence is currently insufficient to determine the role of this variant in disease. Therefore, it has been classified as a Variant of Uncertain Significance.

NM_016239.4(MYO15A):c.3316C>T (p.Arg1106Trp)

Gene: MYO15A (myosin XVA; plus strand). Cytogenetic location: 17p11.2.
Variant type: single nucleotide variant.
Coding change: c.3316C>T on transcript NM_016239.4 (MANE Select); coding-DNA position 3316, C replaced by T.
Protein change: p.Arg1106Trp; replaces arginine 1106 with tryptophan.
Molecular consequence: missense variant.
Genome position (GRCh38, 1-based): chr17:18,122,116, C>T. VCF-style: chr17-18122116-C-T. GRCh37 (hg19) VCF-style: chr17-18025430-C-T.
Other names: short protein forms R1106W.
Identifiers: ClinVar variation 1309929 (VCV001309929.7), dbSNP rs754781505, ClinGen allele CA8423430.